The following is an entry in ClinVar:

NM_020964.3(EPG5):c.2030T>C (p.Met677Thr)

Gene: EPG5 (ectopic P-granules 5 autophagy tethering factor; minus strand). Cytogenetic location: 18q21.1.
Variant type: single nucleotide variant.
Coding change: c.2030T>C on transcript NM_020964.3 (MANE Select); coding-DNA position 2030, T replaced by C.
Protein change: p.Met677Thr; replaces methionine 677 with threonine.
Molecular consequence: missense variant.
Genome position (GRCh38, 1-based): chr18:45,939,669, A>G on the plus strand (T>C on the coding strand, the complement: EPG5 is on the minus strand). VCF-style: chr18-45939669-A-G. GRCh37 (hg19) VCF-style: chr18-43519635-A-G.
Other names: c.2030T>C, p.Met677Thr (NM_001410858.1, NM_001410859.1); short protein forms M677T.
Identifiers: ClinVar variation 2008256 (VCV002008256.1), dbSNP rs2511991012, ClinGen allele CA402348021.

ClinVar aggregate classification (germline): Uncertain significance (1 of 4 stars; one submission).

Conditions:
Vici syndrome (VICIS). Identifiers: Orphanet 1493, MedGen C1855772, MONDO:0009452, OMIM 242840.

Allele frequency attached by ClinVar (database versions not stated): gnomAD exomes below 0.00001.
gnomAD v4.1: 1 of 1,614,134 alleles (0.000062%); highest among the groups gnomAD compares: Non-Finnish European, 0.000085%; no homozygotes.

Submission:

Labcorp Genetics (formerly Invitae), Labcorp
Classification: Uncertain significance for Vici syndrome. Last evaluated: 2022-08-19. Review status: criteria provided, single submitter. Criteria: Invitae Variant Classification Sherloc (09022015). Collection method: clinical testing. Allele origin: germline.
Comment: This sequence change replaces methionine, which is neutral and non-polar, with threonine, which is neutral and polar, at codon 677 of the EPG5 protein (p.Met677Thr). This variant is not present in population databases (gnomAD no frequency). This variant has not been reported in the literature in individuals affected with EPG5-related conditions. Algorithms developed to predict the effect of missense changes on protein structure and function (SIFT, PolyPhen-2, Align-GVGD) all suggest that this variant is likely to be tolerated. In summary, the available evidence is currently insufficient to determine the role of this variant in disease. Therefore, it has been classified as a Variant of Uncertain Significance.